The following is an entry in ClinVar:

NM_000548.5(TSC2):c.89C>G (p.Ser30Cys)

Gene: TSC2 (TSC complex subunit 2; plus strand). Cytogenetic location: 16p13.3.
Variant type: single nucleotide variant.
Coding change: c.89C>G on transcript NM_000548.5 (MANE Select); coding-DNA position 89, C replaced by G.
Protein change: p.Ser30Cys; replaces serine 30 with cysteine.
Molecular consequence: missense variant. On other transcripts: 5 prime UTR variant (1), intron variant (1).
Genome position (GRCh38, 1-based): chr16:2,048,704, C>G. VCF-style: chr16-2048704-C-G. GRCh37 (hg19) VCF-style: chr16-2098705-C-G.
Other names: c.-138C>G (NM_001318831.2); c.122C>G, p.Ser41Cys (NM_001318832.2); c.89C>G, p.Ser30Cys (NM_001363528.2, NM_001370404.1, NM_001077183.3 and 4 more transcripts); c.-10+639C>G (NM_001318829.2); short protein forms S30C, S41C.
Identifiers: ClinVar variation 576521 (VCV000576521.17), dbSNP rs1425163522, ClinGen allele CA394301392.
Genomic context (GRCh38, chr16:2,048,704, plus strand): 5'-GCTTGAAGGAGAAGTTTAAGATTCTGTTGGGACTGGGAACACCGAGGCCAAATCCCAGGT[C>G]TGCAGAGGGTAAACAGACGGAGTTTATCATCACCGCGGAAATACTGAGAGTGAGTGAGCT-3'
Protein context (NP_000539.2, residues 20-40): GLGTPRPNPR[Ser30Cys]AEGKQTEFII

ClinVar aggregate classification (germline): Conflicting classifications of pathogenicity. Review status: criteria provided, conflicting classifications (1 of 4 stars). 6 submissions from 6 submitters: Uncertain significance (5); Benign (1). Last evaluated 2025-12-28.

Conditions:
Hereditary cancer-predisposing syndrome. Also called: Hereditary neoplastic syndrome; Tumor predisposition; Hereditary Cancer Syndrome; Neoplastic Syndromes, Hereditary. Identifiers: Orphanet 140162, MedGen C0027672, MeSH D009386, MONDO:0015356.
Tuberous sclerosis syndrome (TSC). Also called: Tuberous Sclerosis Complex; Tuberous sclerosis. Identifiers: Orphanet 805, MedGen C0041341, MONDO:0001734.
Tuberous sclerosis 2 (TSC2). Identifiers: Orphanet 805, MedGen C1860707, MONDO:0013199, OMIM 613254.
Isolated focal cortical dysplasia type II (FCORD2). Also called: Focal cortical dysplasia type II; CORTICAL DYSPLASIA OF TAYLOR. Identifiers: Orphanet 268994, MedGen C1846385, MONDO:0011818, OMIM 607341, HP:0032051.

Allele frequency attached by ClinVar (database versions not stated): gnomAD exomes below 0.00001.
gnomAD v4.1: 4 of 1,614,066 alleles (0.00025%); highest among the groups gnomAD compares: Non-Finnish European, 0.000085%; no homozygotes.

Submissions (6):

Labcorp Genetics (formerly Invitae), Labcorp
Classification: Benign for Tuberous sclerosis 2. Last evaluated: 2025-12-28. Review status: criteria provided, single submitter. Criteria: Invitae Variant Classification Sherloc (09022015). Collection method: clinical testing. Allele origin: germline.

Ambry Genetics
Classification: Uncertain significance for Hereditary cancer-predisposing syndrome. Last evaluated: 2025-11-08. Review status: criteria provided, single submitter. Criteria: Ambry Variant Classification Scheme 2023. Collection method: clinical testing. Allele origin: germline.
Comment: The p.S30C variant (also known as c.89C>G), located in coding exon 1 of the TSC2 gene, results from a C to G substitution at nucleotide position 89. The serine at codon 30 is replaced by cysteine, an amino acid with dissimilar properties. This amino acid position is conserved. In addition, this alteration is predicted to be tolerated by in silico analysis. Since supporting evidence is limited at this time, the clinical significance of this alteration remains unclear.

Quest Diagnostics Nichols Institute San Juan Capistrano
Classification: Uncertain significance. Last evaluated: 2025-06-13. Review status: criteria provided, single submitter. Criteria: Quest Diagnostics criteria. Collection method: clinical testing. Allele origin: unknown.

All of Us Research Program, National Institutes of Health
Classification: Uncertain significance for Tuberous sclerosis syndrome. Last evaluated: 2024-05-14. Review status: criteria provided, single submitter. Criteria: ACMG Guidelines, 2015. Collection method: clinical testing. Allele origin: germline. Inheritance: Autosomal dominant inheritance. Observed: 1 variant allele, 1 heterozygote.
Comment: This missense variant replaces serine with cysteine at codon 30 of the TSC2 protein. Computational prediction suggests that this variant may not impact protein structure and function (internally defined REVEL score threshold <= 0.5, PMID: 27666373). To our knowledge, functional studies have not been reported for this variant. This variant has not been reported in individuals affected with TSC2-related disorders in the literature. This variant has been identified in 1/251250 chromosomes in the general population by the Genome Aggregation Database (gnomAD). The available evidence is insufficient to determine the role of this variant in disease conclusively. Therefore, this variant is classified as a Variant of Uncertain Significance.

This study involves interpretation of variants in research participants for the purpose of population health screening. Participant phenotype was not available at the time of variant classification. Additional details can be found in publication PMID: 35346344, PMCID: PMC8962531

Baylor Genetics
Classification: Uncertain significance for Isolated focal cortical dysplasia type II. Last evaluated: 2024-03-17. Review status: criteria provided, single submitter. Criteria: ACMG Guidelines, 2015. Collection method: clinical testing. Allele origin: unknown.

Sema4
Classification: Uncertain significance for Hereditary cancer-predisposing syndrome. Last evaluated: 2021-12-13. Review status: criteria provided, single submitter. Criteria: Sema4 Curation Guidelines. Collection method: curation. Allele origin: germline.
Comment: The TSC2 c.89C>G (p.S30C) variant has not been reported in the literature to our knowledge. It was observed in 1/113570 chromosomes of the Non-Finnish European subpopulation in the large and broad cohorts of the Genome Aggregation Database (PMID: 32461654). The variant has been reported in ClinVar (Variation ID: 576521). In silico tools suggest the impact of the variant on protein function is benign, though these predictions have not been confirmed by functional studies. The evidence is insufficient to meet ACMG/AMP criteria for classifying the variant as benign or pathogenic. Thus, the clinical significance of this variant is currently uncertain.